The following is an entry in ClinVar:

NM_001378457.1(DMXL2):c.4261A>G (p.Thr1421Ala)

Gene: DMXL2 (Dmx like 2; minus strand). Cytogenetic location: 15q21.2.
Variant type: single nucleotide variant.
Coding change: c.4261A>G on transcript NM_001378457.1 (MANE Select); coding-DNA position 4261, A replaced by G.
Protein change: p.Thr1421Ala; replaces threonine 1421 with alanine.
Molecular consequence: missense variant. On other transcripts: non-coding transcript variant (2), intron variant (2).
Genome position (GRCh38, 1-based): chr15:51,498,963, T>C on the plus strand (A>G on the coding strand, the complement: DMXL2 is on the minus strand). VCF-style: chr15-51498963-T-C. GRCh37 (hg19) VCF-style: chr15-51791160-T-C.
Other names: c.4261A>G, p.Thr1421Ala (NM_001174116.3, NM_001378458.1, NM_001378459.1 and 4 more transcripts); c.4021A>G, p.Thr1341Ala (NM_001378464.1); c.2765-7216A>G (NM_001378460.1); c.2765-3829A>G (NM_001174117.3); short protein forms T1341A, T1421A.
Identifiers: ClinVar variation 1966930 (VCV001966930.4), dbSNP rs1279103723, ClinGen allele CA392432304.
Genomic context (GRCh38, chr15:51,498,963, plus strand): 5'-TATCTTGATCTGCAGCAAGTAATGCATATAGTGGTAGTGGAGGGATAGAATCTATCTCAG[T>C]ATAATCTCGAGTACCATCTTTTCCTACGGTGACTGTTTCCTTTGCTGTACTGCCACTTAC-3'
Protein context (NP_001365386.1, residues 1411-1431): TVGKDGTRDY[Thr1421Ala]EIDSIPPLPL

ClinVar aggregate classification (germline): Uncertain significance (1 of 4 stars; one submission).

Allele frequency attached by ClinVar (database versions not stated): TOPMed below 0.00001.

Submission:

Labcorp Genetics (formerly Invitae), Labcorp
Classification: Uncertain significance. Last evaluated: 2022-08-08. Review status: criteria provided, single submitter. Criteria: Invitae Variant Classification Sherloc (09022015). Collection method: clinical testing. Allele origin: germline.
Comment: This sequence change replaces threonine, which is neutral and polar, with alanine, which is neutral and non-polar, at codon 1421 of the DMXL2 protein (p.Thr1421Ala). This variant is not present in population databases (gnomAD no frequency). This variant has not been reported in the literature in individuals affected with DMXL2-related conditions. Algorithms developed to predict the effect of missense changes on protein structure and function are either unavailable or do not agree on the potential impact of this missense change (SIFT: "Tolerated"; PolyPhen-2: "Probably Damaging"; Align-GVGD: "Class C0"). In summary, the available evidence is currently insufficient to determine the role of this variant in disease. Therefore, it has been classified as a Variant of Uncertain Significance.